The following is an entry in ClinVar:

ClinVar aggregate classification (germline): Uncertain significance. Review status: criteria provided, multiple submitters, no conflicts (2 of 4 stars). 3 submissions from 3 submitters: Uncertain significance (3). Last evaluated 2025-08-11.

Conditions:
RYR1-related disorder. Also called: RYR1-related disorders; RYR1-related condition. Identifiers: MedGen CN239331.
Malignant hyperthermia, susceptibility to, 1 (MHS1). Also called: RYR1-Related Malignant Hyperthermia Susceptibility; Malignant hyperthermia suceptibility 1; Anesthesia related hyperthermia; Malignant hyperpyrexia; Fulminating hyperpyrexia; Pharmacogenic myopathy. Identifiers: Orphanet 423, MedGen C2930980, MONDO:0007783, OMIM 145600.

Allele frequency attached by ClinVar (database versions not stated): gnomAD exomes 0.00002 and 0.00005; TOPMed 0.00002; ExAC 0.00006.

Submissions (3):

Labcorp Genetics (formerly Invitae), Labcorp
Classification: Uncertain significance for RYR1-related disorder. Last evaluated: 2025-08-11. Review status: criteria provided, single submitter. Criteria: Invitae Variant Classification Sherloc (09022015). Collection method: clinical testing. Allele origin: germline.
Comment: This sequence change replaces arginine, which is basic and polar, with cysteine, which is neutral and slightly polar, at codon 114 of the RYR1 protein (p.Arg114Cys). This variant is present in population databases (rs756343485, gnomAD 0.006%). This variant has not been reported in the literature in individuals affected with RYR1-related conditions. ClinVar contains an entry for this variant (Variation ID: 1020610). Invitae Evidence Modeling of protein sequence and biophysical properties (such as structural, functional, and spatial information, amino acid conservation, physicochemical variation, residue mobility, and thermodynamic stability) indicates that this missense variant is not expected to disrupt RYR1 protein function with a negative predictive value of 95%. In summary, the available evidence is currently insufficient to determine the role of this variant in disease. Therefore, it has been classified as a Variant of Uncertain Significance.

GeneDx
Classification: Uncertain significance. Last evaluated: 2024-11-27. Review status: criteria provided, single submitter. Criteria: GeneDx Variant Classification Process June 2021. Collection method: clinical testing. Allele origin: germline. Affected: yes.
Comment: Not observed at significant frequency in large population cohorts (gnomAD); In silico analysis indicates that this missense variant does not alter protein structure/function; Has not been previously published as pathogenic or benign to our knowledge; This variant is associated with the following publications: (PMID: 33767344)

Color Diagnostics, LLC DBA Color Health
Classification: Uncertain significance for Malignant hyperthermia, susceptibility to, 1. Last evaluated: 2024-03-19. Review status: criteria provided, single submitter. Criteria: ACMG Guidelines, 2015. Collection method: clinical testing. Allele origin: germline.
Comment: This missense variant replaces arginine with cysteine at codon 114 of the RYR1 protein. Computational prediction suggests that this variant may not impact protein structure and function. To our knowledge, functional studies have not been reported for this variant. This variant has not been reported in individuals affected with RYR1-related disorders in the literature. This variant has been identified in 12/251294 chromosomes in the general population by the Genome Aggregation Database (gnomAD). The available evidence is insufficient to determine the role of this variant in disease conclusively. Therefore, this variant is classified as a Variant of Uncertain Significance.

NM_000540.3(RYR1):c.340C>T (p.Arg114Cys)

Gene: RYR1 (ryanodine receptor 1; plus strand). Cytogenetic location: 19q13.2.
Variant type: single nucleotide variant.
Coding change: c.340C>T on transcript NM_000540.3 (MANE Select); coding-DNA position 340, C replaced by T.
Protein change: p.Arg114Cys; replaces arginine 114 with cysteine.
Molecular consequence: missense variant.
Genome position (GRCh38, 1-based): chr19:38,443,627, C>T. VCF-style: chr19-38443627-C-T. GRCh37 (hg19) VCF-style: chr19-38934267-C-T.
Other names: c.340C>T, p.Arg114Cys (NM_001042723.2); c.340C>T (NM_000540.2); short protein forms R114C.
Identifiers: ClinVar variation 1020610 (VCV001020610.10), dbSNP rs756343485, ClinGen allele CA064807.